The following is an entry in ClinVar:

NM_001244008.2(KIF1A):c.40C>G (p.Pro14Ala)

Gene: KIF1A (kinesin family member 1A; minus strand). Cytogenetic location: 2q37.3.
Variant type: single nucleotide variant.
Coding change: c.40C>G on transcript NM_001244008.2 (MANE Select); coding-DNA position 40, C replaced by G.
Protein change: p.Pro14Ala; replaces proline 14 with alanine.
Molecular consequence: missense variant.
Genome position (GRCh38, 1-based): chr2:240,797,713, G>C on the plus strand (C>G on the coding strand, the complement: KIF1A is on the minus strand). VCF-style: chr2-240797713-G-C. GRCh37 (hg19) VCF-style: chr2-241737130-G-C.
Other names: c.40C>G, p.Pro14Ala (NM_001320705.2, NM_001330289.2, NM_001330290.2 and 20 more transcripts); short protein forms P14A.
Identifiers: ClinVar variation 3753722 (VCV003753722.2).

ClinVar aggregate classification (germline): Likely pathogenic (1 of 4 stars; one submission).

Conditions:
Neuropathy, hereditary sensory, type 2C. Also called: KIF1A-Related HSAN2 (HSAN2C); Hereditary sensory and autonomic neuropathy type IIC. Identifiers: Orphanet 970, MedGen C3280168, MONDO:0013634, OMIM 614213.
Hereditary spastic paraplegia 30. Identifiers: Orphanet 101010, MedGen C5235139, MONDO:0012476.
Intellectual disability, autosomal dominant 9 (NESCAVS). Also called: KIF1A-Related Neurodevelopmental Disorder; NESCAV SYNDROME. Identifiers: Orphanet 662367, MedGen C5393830, MONDO:0013656, OMIM 614255.

Submission:

Labcorp Genetics (formerly Invitae), Labcorp
Classification: Likely pathogenic for Hereditary spastic paraplegia 30; Neuropathy, hereditary sensory, type 2C; Intellectual disability, autosomal dominant 9. Last evaluated: 2024-11-25. Review status: criteria provided, single submitter. Criteria: Invitae Variant Classification Sherloc (09022015). Collection method: clinical testing. Allele origin: germline.
Comment: This sequence change replaces proline, which is neutral and non-polar, with alanine, which is neutral and non-polar, at codon 14 of the KIF1A protein (p.Pro14Ala). This variant is not present in population databases (gnomAD no frequency). This variant has not been reported in the literature in individuals affected with KIF1A-related conditions. Invitae Evidence Modeling of protein sequence and biophysical properties (such as structural, functional, and spatial information, amino acid conservation, physicochemical variation, residue mobility, and thermodynamic stability) indicates that this missense variant is expected to disrupt KIF1A protein function with a positive predictive value of 95%. This variant disrupts the p.Pro14 amino acid residue in KIF1A. Other variant(s) that disrupt this residue have been determined to be pathogenic (internal data). This suggests that this residue is clinically significant, and that variants that disrupt this residue are likely to be disease-causing. In summary, the currently available evidence indicates that the variant is pathogenic, but additional data are needed to prove that conclusively. Therefore, this variant has been classified as Likely Pathogenic.